The following is an entry in ClinVar:

NM_006466.4(POLR3F):c.317-275G>A

Gene: POLR3F (RNA polymerase III subunit F; plus strand). Cytogenetic location: 20p11.23.
Variant type: single nucleotide variant.
Coding change: c.317-275G>A on transcript NM_006466.4 (MANE Select); 275 bases into the intron before coding-DNA position 317, G replaced by A.
Molecular consequence: intron variant.
Genome position (GRCh38, 1-based): chr20:18,474,800, G>A. VCF-style: chr20-18474800-G-A. GRCh37 (hg19) VCF-style: chr20-18455444-G-A.
Other names: c.194-275G>A (NM_001282526.2); c.317-275G>A (NM_001410821.1).
Identifiers: ClinVar variation 3905662 (VCV003905662.10).
Genomic context (GRCh38, chr20:18,474,800, plus strand): 5'-TCAAACTCCTGAGCTCAGGTGACCCACCTGCCTCGGCCTCCCTAAGTGCTGGGATTACAG[G>A]CATGAGCCACCATGCCCAGCCCTTTCCATAAGTTTTTTAAAAGTTTGCCACACTGGGATT-3'

ClinVar aggregate classification (germline): Benign (1 of 4 stars; one submission).

gnomAD v4.1: 535 of 152,242 alleles (0.35%); highest among the groups gnomAD compares: African/African-American, 1.2%; 3 homozygotes.

Submission:

CeGaT Center for Human Genetics Tuebingen
Classification: Benign. Last evaluated: 2025-05-01. Review status: criteria provided, single submitter. Criteria: CeGaT Center For Human Genetics Tuebingen Variant Classification Criteria Version 2. Collection method: clinical testing. Allele origin: germline. Affected: yes. Observed: 1 variant allele.
Comment: POLR3F: BS1, BS2